The following is an entry in ClinVar:

ClinVar aggregate classification (germline): Likely benign. Review status: criteria provided, multiple submitters, no conflicts (2 of 4 stars). 2 submissions from 2 submitters: Likely benign (2). Last evaluated 2026-04-01.

Conditions:
Hereditary spastic paraplegia 45. Also called: Spastic paraplegia 45, autosomal recessive; SPASTIC PARAPLEGIA 45. Identifiers: Orphanet 320396, MedGen C3888209, MONDO:0013165, OMIM 613162.

Allele frequency attached by ClinVar (database versions not stated): 1000 Genomes Project 30x 0.00016; 1000 Genomes Project 0.00020.
gnomAD v4.1: 20 of 1,586,862 alleles (0.0013%); highest among the groups gnomAD compares: South Asian, 0.015%; no homozygotes.

Submissions (2):

CeGaT Center for Human Genetics Tuebingen
Classification: Likely benign. Last evaluated: 2026-04-01. Review status: criteria provided, single submitter. Criteria: CeGaT Center For Human Genetics Tuebingen Variant Classification Criteria Version 2. Collection method: clinical testing. Allele origin: germline. Affected: yes. Observed: 1 variant allele.
Comment: NT5C2: BP4, BP7

Labcorp Genetics (formerly Invitae), Labcorp
Classification: Likely benign for Hereditary spastic paraplegia 45. Last evaluated: 2023-10-10. Review status: criteria provided, single submitter. Criteria: Invitae Variant Classification Sherloc (09022015). Collection method: clinical testing. Allele origin: germline.

NM_001351169.2(NT5C2):c.1002G>T (p.Thr334=)

Gene: NT5C2 (5'-nucleotidase, cytosolic II; minus strand). Cytogenetic location: 10q24.32.
Variant type: single nucleotide variant.
Coding change: c.1002G>T on transcript NM_001351169.2 (MANE Select); coding-DNA position 1002, G replaced by T.
Protein change: p.Thr334=; no amino-acid change (threonine 334 retained).
Molecular consequence: synonymous variant.
Genome position (GRCh38, 1-based): chr10:103,093,296, C>A on the plus strand (G>T on the coding strand, the complement: NT5C2 is on the minus strand). VCF-style: chr10-103093296-C-A. GRCh37 (hg19) VCF-style: chr10-104853053-C-A.
Other names: c.1002G>T, p.Thr334= (NM_001134373.3, NM_012229.5); c.1026G>T, p.Thr342= (NM_001351170.2, NM_001351171.2, NM_001351172.2 and 1 more transcripts); c.915G>T, p.Thr305= (NM_001351174.1); c.909G>T, p.Thr303= (NM_001351175.2); c.429G>T, p.Thr143= (NM_001351176.2, NM_001351177.2, NM_001351178.2 and 16 more transcripts); c.288G>T, p.Thr96= (NM_001351194.2, NM_001351195.2, NM_001351196.2).
Identifiers: ClinVar variation 2831533 (VCV002831533.5), dbSNP rs529012276, ClinGen allele CA5670872.